The following is an entry in ClinVar:

ClinVar aggregate classification (germline): Uncertain significance (1 of 4 stars; one submission).

Allele frequency attached by ClinVar (database versions not stated): gnomAD exomes below 0.00001.
gnomAD v4.1: 2 of 1,600,546 alleles (0.00012%); highest among the groups gnomAD compares: Non-Finnish European, 0.00017%; no homozygotes.

Submission:

Labcorp Genetics (formerly Invitae), Labcorp
Classification: Uncertain significance. Last evaluated: 2023-05-20. Review status: criteria provided, single submitter. Criteria: Invitae Variant Classification Sherloc (09022015). Collection method: clinical testing. Allele origin: germline.
Comment: In summary, the available evidence is currently insufficient to determine the role of this variant in disease. Therefore, it has been classified as a Variant of Uncertain Significance. Advanced modeling of protein sequence and biophysical properties (such as structural, functional, and spatial information, amino acid conservation, physicochemical variation, residue mobility, and thermodynamic stability) performed at Invitae indicates that this missense variant is not expected to disrupt NEDD4L protein function. This variant has not been reported in the literature in individuals affected with NEDD4L-related conditions. This variant is not present in population databases (gnomAD no frequency). This sequence change replaces aspartic acid, which is acidic and polar, with valine, which is neutral and non-polar, at codon 160 of the NEDD4L protein (p.Asp160Val).

NM_001144967.3(NEDD4L):c.479A>T (p.Asp160Val)

Gene: NEDD4L (NEDD4 like E3 ubiquitin protein ligase; plus strand). Cytogenetic location: 18q21.31.
Variant type: single nucleotide variant.
Coding change: c.479A>T on transcript NM_001144967.3 (MANE Select); coding-DNA position 479, A replaced by T.
Protein change: p.Asp160Val; replaces aspartic acid 160 with valine.
Molecular consequence: missense variant.
Genome position (GRCh38, 1-based): chr18:58,323,300, A>T. VCF-style: chr18-58323300-A-T. GRCh37 (hg19) VCF-style: chr18-55990532-A-T.
Other names: c.116A>T, p.Asp39Val (NM_001144964.1, NM_001144965.2, NM_001144966.3 and 2 more transcripts); c.455A>T, p.Asp152Val (NM_001144968.2, NM_001144969.2); c.479A>T, p.Asp160Val (NM_001243960.2, NM_015277.6); short protein forms D160V, D152V, D39V.
Identifiers: ClinVar variation 3000280 (VCV003000280.3), dbSNP rs2516073998, ClinGen allele CA402552121.
Genomic context (GRCh38, chr18:58,323,300, plus strand): 5'-CTCGAGTTAAGGGATTTTTGCGATTGAAAATGGCCTATATGCCAAAAAATGGAGGTCAAG[A>T]TGAAGAAAACAGTGACCAGAGGGATGACATGGAGGTACGTGGAGGGCGTCAGGCCTCTCT-3'
Protein context (NP_001138439.1, residues 150-170): MAYMPKNGGQ[Asp160Val]EENSDQRDDM